The following is an entry in ClinVar:

ClinVar aggregate classification (germline): Likely benign (1 of 4 stars; one submission).

Submission:

GeneDx
Classification: Likely benign. Last evaluated: 2018-06-14. Review status: criteria provided, single submitter. Criteria: GeneDx Variant Classification (06012015). Collection method: clinical testing. Allele origin: germline. Affected: yes.
Comment: This variant is considered likely benign or benign based on one or more of the following criteria: it is a conservative change, it occurs at a poorly conserved position in the protein, it is predicted to be benign by multiple in silico algorithms, and/or has population frequency not consistent with disease.

NM_001182.5(ALDH7A1):c.394-59_394-55del

Gene: ALDH7A1 (aldehyde dehydrogenase 7 family member A1; minus strand). Cytogenetic location: 5q23.2.
Variant type: Microsatellite.
Coding change: c.394-59_394-55del on transcript NM_001182.5 (MANE Select); 59 bases into the intron before coding-DNA position 394 through 55 bases into the intron before coding-DNA position 394, 5 bases deleted (TTAAT; older notation c.394-59_394-55delTTAAT).
Molecular consequence: intron variant.
Genome position (GRCh38, 1-based): chr5:126,583,029-126,583,033, ATTAA deleted on the plus strand (TTAAT on the coding strand, the reverse complement: ALDH7A1 is on the minus strand); deleting any 5 consecutive bases within chr5:126,583,029-126,583,039 gives the same sequence; the c. name uses the placement nearest the transcript's 3' end. VCF-style (leftmost placement, unchanged base first): chr5-126583028-CATTAA-C. GRCh37 (hg19) VCF-style: chr5-125918720-CATTAA-C.
Other names: c.394-59_394-55del (NM_001202404.2); c.310-59_310-55del (NM_001201377.2).
Identifiers: ClinVar variation 674476 (VCV000674476.1), dbSNP rs147659515, ClinGen allele CA126915253.